The following is an entry in ClinVar:

ClinVar aggregate classification (germline): Likely benign (0 of 4 stars; one submission).

Conditions:
PFKP-related disorder. Also called: PFKP-related condition.

gnomAD v4.1: 50 of 1,604,330 alleles (0.0031%); highest among the groups gnomAD compares: South Asian, 0.052%; no homozygotes.

Submission:

PreventionGenetics, part of Exact Sciences
Classification: Likely benign for PFKP-related condition. Last evaluated: 2024-05-08. Review status: no assertion criteria provided. Collection method: clinical testing. Allele origin: germline.
Comment: This variant is classified as likely benign based on ACMG/AMP sequence variant interpretation guidelines (Richards et al. 2015 PMID: 25741868, with internal and published modifications).

NM_002627.5(PFKP):c.2126A>T (p.Lys709Ile)

Gene: PFKP (phosphofructokinase, platelet; plus strand). Cytogenetic location: 10p15.2.
Variant type: single nucleotide variant.
Coding change: c.2126A>T on transcript NM_002627.5 (MANE Select); coding-DNA position 2126, A replaced by T.
Protein change: p.Lys709Ile; replaces lysine 709 with isoleucine.
Molecular consequence: missense variant.
Genome position (GRCh38, 1-based): chr10:3,135,739, A>T. VCF-style: chr10-3135739-A-T. GRCh37 (hg19) VCF-style: chr10-3177931-A-T.
Other names: c.2102A>T, p.Lys701Ile (NM_001242339.2); c.2045A>T, p.Lys682Ile (NM_001323067.2); c.1973A>T, p.Lys658Ile (NM_001323068.2); c.1619A>T, p.Lys540Ile (NM_001323069.2); c.1325A>T, p.Lys442Ile (NM_001323070.1); c.2012A>T, p.Lys671Ile (NM_001323071.2, NM_001323072.2, NM_001345944.1); c.1478A>T, p.Lys493Ile (NM_001323073.1, NM_001323074.1); c.2279A>T, p.Lys760Ile (NM_001410880.1); short protein forms K442I, K493I, K540I, K658I, K671I, K682I, K701I, K709I.
Identifiers: ClinVar variation 3355047 (VCV003355047.1).
Genomic context (GRCh38, chr10:3,135,739, plus strand): 5'-TCCCCCACCTGCCCATGTTGACAGGGTGTTATTAATCTTTTTTAAAATCTTTTATAGGAA[A>T]AAAATTTACCACCGATGATTCCATTTGTGTGCTGGGAATAAGCAAAAGAAACGTTATTTT-3'
Protein context (NP_002618.1, residues 699-719): AKLKEARGRG[Lys709Ile]KFTTDDSICV